The following is an entry in ClinVar:

NM_001031710.3(KLHL7):c.1382G>A (p.Trp461Ter)

Gene: KLHL7 (kelch like family member 7; plus strand). Cytogenetic location: 7p15.3.
Variant type: single nucleotide variant.
Coding change: c.1382G>A on transcript NM_001031710.3 (MANE Select); coding-DNA position 1382, G replaced by A.
Protein change: p.Trp461Ter; replaces tryptophan 461 with a stop codon.
Molecular consequence: nonsense. On other transcripts: non-coding transcript variant (1).
Genome position (GRCh38, 1-based): chr7:23,172,950, G>A. VCF-style: chr7-23172950-G-A. GRCh37 (hg19) VCF-style: chr7-23212569-G-A.
Other names: c.1238G>A, p.Trp413Ter (NM_018846.5); short protein forms W461*, W413*.
Identifiers: ClinVar variation 2842530 (VCV002842530.3), dbSNP rs981039302, ClinGen allele CA155257607.

ClinVar aggregate classification (germline): Pathogenic (1 of 4 stars; one submission).

Allele frequency attached by ClinVar (database versions not stated): TOPMed below 0.00001; gnomAD 0.00001.
gnomAD v4.1: 1 of 1,612,208 alleles (0.000062%); highest among the groups gnomAD compares: African/African-American, 0.0013%; no homozygotes.

Submission:

Labcorp Genetics (formerly Invitae), Labcorp
Classification: Pathogenic. Last evaluated: 2023-03-03. Review status: criteria provided, single submitter. Criteria: Invitae Variant Classification Sherloc (09022015). Collection method: clinical testing. Allele origin: germline.
Comment: For these reasons, this variant has been classified as Pathogenic. Algorithms developed to predict the effect of sequence changes on RNA splicing suggest that this variant may create or strengthen a splice site. This variant has not been reported in the literature in individuals affected with KLHL7-related conditions. This variant is not present in population databases (gnomAD no frequency). This sequence change creates a premature translational stop signal (p.Trp461*) in the KLHL7 gene. It is expected to result in an absent or disrupted protein product. Loss-of-function variants in KLHL7 are known to be pathogenic (PMID: 27392078, 29074562, 30426380, 31953236).

Literature cited by the submitters: PubMed 27392078; PubMed 29074562; PubMed 30426380; PubMed 31953236.